The following is an entry in ClinVar:

ClinVar aggregate classification (germline): Pathogenic/Likely pathogenic. Review status: criteria provided, multiple submitters, no conflicts (2 of 4 stars). 6 submissions from 6 submitters: Pathogenic (4); Likely pathogenic (2). Last evaluated 2026-06-08.

Conditions:
Epilepsy. Also called: Seizure disorder. Identifiers: MedGen C0014544, MeSH D004827, MONDO:0005027.
Epilepsy, familial focal, with variable foci 3 (FFEVF3). Identifiers: MedGen C4310708, MONDO:0014925, OMIM 617118.

Submissions (6):

Cytogénomique, Hospices Civils de Lyon
Classification: Pathogenic for Epilepsy. Last evaluated: 2026-06-08. Review status: criteria provided, single submitter. Criteria: ACMG Guidelines, 2015. Collection method: clinical testing. Allele origin: germline. Affected: yes.

Medical and Scientific Branch, Hong Kong Genome Institute
Classification: Likely pathogenic for Epilepsy, familial focal, with variable foci 3. Last evaluated: 2025-10-11. Review status: criteria provided, single submitter. Criteria: ACMG Guidelines, 2015. Collection method: clinical testing. Allele origin: germline. Affected: yes.

Labcorp Genetics (formerly Invitae), Labcorp
Classification: Pathogenic for Epilepsy, familial focal, with variable foci 3. Last evaluated: 2025-03-17. Review status: criteria provided, single submitter. Criteria: Invitae Variant Classification Sherloc (09022015). Collection method: clinical testing. Allele origin: germline.
Comment: This sequence change creates a premature translational stop signal (p.Arg92*) in the NPRL3 gene. It is expected to result in an absent or disrupted protein product. Loss-of-function variants in NPRL3 are known to be pathogenic (PMID: 26285051, 26505888). This variant is not present in population databases (gnomAD no frequency). This premature translational stop signal has been observed in individual(s) with a NPRL3-related condition (PMID: 31594065). ClinVar contains an entry for this variant (Variation ID: 1455249). For these reasons, this variant has been classified as Pathogenic.

3billion
Classification: Pathogenic for Epilepsy, familial focal, with variable foci 3. Last evaluated: 2023-12-07. Review status: criteria provided, single submitter. Criteria: ACMG Guidelines, 2015. Collection method: clinical testing. Allele origin: germline. Affected: yes.
Comment: The variant is not observed in the gnomAD v2.1.1 dataset. Predicted Consequence/Location: Stop-gained (nonsense): predicted to result in a loss or disruption of normal protein function through nonsense-mediated decay (NMD) or protein truncation. Multiple pathogenic variants are reported downstream of the variant. In silico tools prediction whether the variant alters splicing and producing an abnormal transcript is uncertain [Splice AI: 0.31 (spliceogenicity >=0.2, non-spliceogenicity <0.1)]. The variant has been reported at least twice as pathogenic with clinical assertions and evidence for the classification (ClinVar ID: VCV001455249 /PMID: 31594065). Therefore, this variant is classified as Pathogenic according to the recommendation of ACMG/AMP guideline.

CeGaT Center for Human Genetics Tuebingen
Classification: Pathogenic. Last evaluated: 2023-12-01. Review status: criteria provided, single submitter. Criteria: CeGaT Center For Human Genetics Tuebingen Variant Classification Criteria Version 2. Collection method: clinical testing. Allele origin: germline. Affected: yes. Observed: 2 variant alleles.
Comment: NPRL3: PVS1, PM2

New York Genome Center
Classification: Likely pathogenic for Epilepsy, familial focal, with variable foci 3. Last evaluated: 2021-04-23. Review status: criteria provided, single submitter. Criteria: NYGC Assertion Criteria 2020. Collection method: clinical testing. Allele origin: inherited. Observed: 1 heterozygote. Study: CSER-NYCKidSeq.
Comment: The inherited c.274C>T (p.Arg92Ter) variant identified in the NPRL3 gene leads to the premature termination of the protein at amino acid 92/570 (exon 4/14). This variant is absent from gnomAD(v3.1.1) suggesting it is not a common benign variant in the populations represented in that database. This variant is absent from ClinVar, although nonsense variants downstream of the one identified here have been reported as Pathogenic or Likely Pathogenic. To our current knowledge the c.274C>T (p.Arg92Ter) variant has not been reported in affected individuals in the literature. Given its deleterious nature and absence in population databases, the inherited c.274C>T (p.Arg92Ter) variant identified in the NPRL3 gene is reported as Likely Pathogenic.

Literature cited by the submitters: PubMed 26285051 (cited by Labcorp Genetics (formerly Invitae), Labcorp); PubMed 26505888 (cited by Labcorp Genetics (formerly Invitae), Labcorp); PubMed 31594065 (cited by Labcorp Genetics (formerly Invitae), Labcorp and 3billion).

NM_001077350.3(NPRL3):c.274C>T (p.Arg92Ter)

Genes: HBA-LCR (alpha-globin locus control region; plus strand), NPRL3 (NPR3 like, GATOR1 complex subunit; minus strand). Cytogenetic location: 16p13.3.
Variant type: single nucleotide variant.
Coding change: c.274C>T on transcript NM_001077350.3 (MANE Select); coding-DNA position 274, C replaced by T.
Protein change: p.Arg92Ter; replaces arginine 92 with a stop codon.
Molecular consequence: nonsense. On other transcripts: intron variant (1).
Genome position (GRCh38, 1-based): chr16:119,170, G>A on the plus strand (C>T on the coding strand, the complement: NPRL3 is on the minus strand). VCF-style: chr16-119170-G-A. GRCh37 (hg19) VCF-style: chr16-169169-G-A.
Other names: c.40C>T, p.Arg14Ter (NM_001243247.2); c.274C>T, p.Arg92Ter (NM_001243248.2, NM_001243249.2); c.-144-6395C>T (NM_001039476.3); short protein forms R92*, R14*.
Identifiers: ClinVar variation 1455249 (VCV001455249.31), dbSNP rs1199226176, ClinGen allele CA393995313.